The following is an entry in ClinVar:

ClinVar aggregate classification (germline): Likely benign. Review status: criteria provided, single submitter (1 of 4 stars). 2 submissions from 2 submitters: Likely benign (1). 1 of the submissions does not count toward it. Last evaluated 2018-11-15.

Conditions:
MYO9A-related disorder. Also called: MYO9A-related condition.

Allele frequency attached by ClinVar (database versions not stated): ExAC 0.00040; gnomAD exomes 0.00045 and 0.00037; TOPMed 0.00038; gnomAD 0.00040 and 0.00043; ESP Exome Variant Server 0.00046.

Submissions (2):

Labcorp Genetics (formerly Invitae), Labcorp
Classification: Likely benign. Last evaluated: 2018-11-15. Review status: criteria provided, single submitter. Criteria: Invitae Variant Classification Sherloc (09022015). Collection method: clinical testing. Allele origin: germline.

PreventionGenetics, part of Exact Sciences
Classification: Likely benign for MYO9A-related condition. Last evaluated: 2022-12-06. Review status: no assertion criteria provided. Collection method: clinical testing. Allele origin: germline. Not counted in ClinVar's aggregate classification.
Comment: This variant is classified as likely benign based on ACMG/AMP sequence variant interpretation guidelines (Richards et al. 2015 PMID: 25741868, with internal and published modifications).

NM_006901.4(MYO9A):c.1574A>T (p.Glu525Val)

Gene: MYO9A (myosin IXA; minus strand). Cytogenetic location: 15q23.
Variant type: single nucleotide variant.
Coding change: c.1574A>T on transcript NM_006901.4 (MANE Select); coding-DNA position 1574, A replaced by T.
Protein change: p.Glu525Val; replaces glutamic acid 525 with valine.
Molecular consequence: missense variant.
Genome position (GRCh38, 1-based): chr15:71,994,482, T>A on the plus strand (A>T on the coding strand, the complement: MYO9A is on the minus strand). VCF-style: chr15-71994482-T-A. GRCh37 (hg19) VCF-style: chr15-72286823-T-A.
Other names: short protein forms E525V.
Identifiers: ClinVar variation 719417 (VCV000719417.5), dbSNP rs147624856, ClinGen allele CA7642169.
Genomic context (GRCh38, chr15:71,994,482, plus strand): 5'-AAAATAGCTTTCAGGGAAAAACATATTATAATCCAATATATCATTACCTTGGTATTATGC[T>A]CTAAATCTTTACTATTCAGAAGTGCATGATTAATTCGAAAAACTATCCAGTCAAACAGGG-3'
Protein context (NP_008832.2, residues 515-535): NHALLNSKDL[Glu525Val]HNTKTLSIGV